The following is an entry in ClinVar:

NM_020738.4(KIDINS220):c.3610G>T (p.Val1204Leu)

Gene: KIDINS220 (kinase D interacting substrate 220; minus strand). Cytogenetic location: 2p25.1.
Variant type: single nucleotide variant.
Coding change: c.3610G>T on transcript NM_020738.4 (MANE Select); coding-DNA position 3610, G replaced by T.
Protein change: p.Val1204Leu; replaces valine 1204 with leucine.
Molecular consequence: missense variant. On other transcripts: non-coding transcript variant (2).
Genome position (GRCh38, 1-based): chr2:8,736,975, C>A on the plus strand (G>T on the coding strand, the complement: KIDINS220 is on the minus strand). VCF-style: chr2-8736975-C-A. GRCh37 (hg19) VCF-style: chr2-8877105-C-A.
Other names: c.3613G>T, p.Val1205Leu (NM_001348729.2); c.3556G>T, p.Val1186Leu (NM_001348731.2); c.3553G>T, p.Val1185Leu (NM_001348732.2, NM_001348738.2); c.3442G>T, p.Val1148Leu (NM_001348734.2, NM_001348739.2, NM_001348740.2); c.3439G>T, p.Val1147Leu (NM_001348735.2, NM_001348741.2, NM_001348742.2 and 1 more transcripts); c.3313G>T, p.Val1105Leu (NM_001348736.2); short protein forms V1185L, V1205L, V1105L, V1147L, V1148L, V1186L, V1204L.
Identifiers: ClinVar variation 4977896 (VCV004977896.1).

ClinVar aggregate classification (germline): Uncertain significance (1 of 4 stars; one submission).

Conditions:
KIDINS220-related disorder. Also called: KIDINS220-related condition.

gnomAD v4.1: 1 of 1,614,184 alleles (0.000062%); highest among the groups gnomAD compares: African/African-American, 0.0013%; no homozygotes.

Submission:

PreventionGenetics, part of Exact Sciences
Classification: Uncertain significance for KIDINS220-related condition. Last evaluated: 2025-12-11. Review status: criteria provided, single submitter. Criteria: ACMG Guidelines, 2015. Collection method: clinical testing. Allele origin: germline.
Comment: The KIDINS220 c.3610G>T variant is predicted to result in the amino acid substitution p.Val1204Leu. To our knowledge, this variant has not been reported in the literature or in a large population database, indicating this variant is rare. At this time, the clinical significance of this variant is uncertain due to the absence of conclusive functional and genetic evidence.